The following is an entry in ClinVar:

ClinVar aggregate classification (germline): Uncertain significance (1 of 4 stars; one submission).

Conditions:
Cardiovascular phenotype. Identifiers: MedGen CN230736.

Allele frequency attached by ClinVar (database versions not stated): gnomAD exomes below 0.00001; gnomAD 0.00001.

Submission:

Ambry Genetics
Classification: Uncertain significance for Cardiovascular phenotype. Last evaluated: 2019-04-08. Review status: criteria provided, single submitter. Criteria: Ambry Variant Classification Scheme 2023. Collection method: clinical testing. Allele origin: germline.
Comment: The p.E278K variant (also known as c.832G>A), located in coding exon 8 of the DSG2 gene, results from a G to A substitution at nucleotide position 832. The glutamic acid at codon 278 is replaced by lysine, an amino acid with similar properties. This amino acid position is well conserved in available vertebrate species; however, lysine is the reference amino acid in other vertebrate species. In addition, this alteration is predicted to be tolerated by in silico analysis. Since supporting evidence is limited at this time, the clinical significance of this alteration remains unclear.

NM_001943.5(DSG2):c.832G>A (p.Glu278Lys)

Gene: DSG2 (desmoglein 2; plus strand). Cytogenetic location: 18q12.1.
Variant type: single nucleotide variant.
Coding change: c.832G>A on transcript NM_001943.5 (MANE Select); coding-DNA position 832, G replaced by A.
Protein change: p.Glu278Lys; replaces glutamic acid 278 with lysine.
Molecular consequence: missense variant.
Genome position (GRCh38, 1-based): chr18:31,524,706, G>A. VCF-style: chr18-31524706-G-A. GRCh37 (hg19) VCF-style: chr18-29104669-G-A.
Other names: short protein forms E278K.
Identifiers: ClinVar variation 1762958 (VCV001762958.2), dbSNP rs1392901769, ClinGen allele CA402135369.